The following is an entry in ClinVar:

ClinVar aggregate classification (germline): Uncertain significance (1 of 4 stars; one submission).

Submission:

GeneDx
Classification: Uncertain significance. Last evaluated: 2023-09-05. Review status: criteria provided, single submitter. Criteria: GeneDx Variant Classification Process June 2021. Collection method: clinical testing. Allele origin: germline. Affected: yes.
Comment: Not observed at significant frequency in large population cohorts (gnomAD); In silico analysis supports that this missense variant has a deleterious effect on protein structure/function; Has not been previously published as pathogenic or benign to our knowledge; This variant is associated with the following publications: (PMID: 25619690)

NM_002739.5(PRKCG):c.760G>A (p.Asp254Asn)

Gene: PRKCG (protein kinase C gamma; plus strand). Cytogenetic location: 19q13.42.
Variant type: single nucleotide variant.
Coding change: c.760G>A on transcript NM_002739.5 (MANE Select); coding-DNA position 760, G replaced by A.
Protein change: p.Asp254Asn; replaces aspartic acid 254 with asparagine.
Molecular consequence: missense variant.
Genome position (GRCh38, 1-based): chr19:53,892,582, G>A. VCF-style: chr19-53892582-G-A. GRCh37 (hg19) VCF-style: chr19-54395836-G-A.
Other names: c.760G>A, p.Asp254Asn (NM_001316329.2); short protein forms D254N.
Identifiers: ClinVar variation 2579968 (VCV002579968.1), dbSNP rs2514559037, ClinGen allele CA407416379.